The following is an entry in ClinVar:

ClinVar aggregate classification (germline): Uncertain significance (1 of 4 stars; one submission).

Allele frequency attached by ClinVar (database versions not stated): ExAC 0.00003; gnomAD 0.00003; TOPMed 0.00003.
gnomAD v4.1: 47 of 1,612,974 alleles (0.0029%); highest among the groups gnomAD compares: Admixed American, 0.013%; no homozygotes.

Submission:

Labcorp Genetics (formerly Invitae), Labcorp
Classification: Uncertain significance. Last evaluated: 2025-10-13. Review status: criteria provided, single submitter. Criteria: Invitae Variant Classification Sherloc (09022015). Collection method: clinical testing. Allele origin: germline.
Comment: This sequence change replaces serine, which is neutral and polar, with leucine, which is neutral and non-polar, at codon 298 of the SLC7A13 protein (p.Ser298Leu). This variant is present in population databases (rs779926179, gnomAD 0.02%). This missense change has been observed in individual(s) with developmental delay (PMID: 33057194). ClinVar contains an entry for this variant (Variation ID: 1904078). An algorithm developed to predict the effect of missense changes on protein structure and function (PolyPhen-2) suggests that this variant is likely to be disruptive. In summary, the available evidence is currently insufficient to determine the role of this variant in disease. Therefore, it has been classified as a Variant of Uncertain Significance.

Literature cited by the submitters: PubMed 33057194.

NM_138817.3(SLC7A13):c.893C>T (p.Ser298Leu)

Gene: SLC7A13 (solute carrier family 7 member 13; minus strand). Cytogenetic location: 8q21.3.
Variant type: single nucleotide variant.
Coding change: c.893C>T on transcript NM_138817.3 (MANE Select); coding-DNA position 893, C replaced by T.
Protein change: p.Ser298Leu; replaces serine 298 with leucine.
Molecular consequence: missense variant.
Genome position (GRCh38, 1-based): chr8:86,217,756, G>A on the plus strand (C>T on the coding strand, the complement: SLC7A13 is on the minus strand). VCF-style: chr8-86217756-G-A. GRCh37 (hg19) VCF-style: chr8-87229985-G-A.
Other names: short protein forms S298L.
Identifiers: ClinVar variation 1904078 (VCV001904078.5), dbSNP rs779926179, ClinGen allele CA4797693.